The following is an entry in ClinVar:

ClinVar aggregate classification (germline): Likely benign. Review status: criteria provided, multiple submitters, no conflicts (2 of 4 stars). 3 submissions from 3 submitters: Likely benign (3). Last evaluated 2023-04-01.

Allele frequency attached by ClinVar (database versions not stated): 1000 Genomes Project 30x 0.00172; 1000 Genomes Project 0.00180; TOPMed 0.00538; gnomAD 0.00566 and 0.00567; ESP Exome Variant Server 0.00573; ExAC 0.00590; gnomAD exomes 0.00619 and 0.00721.
gnomAD v4.1: 11,366 of 1,604,174 alleles (0.71%); highest among the groups gnomAD compares: Non-Finnish European, 0.79%; 55 homozygotes.

Submissions (3):

CeGaT Center for Human Genetics Tuebingen
Classification: Likely benign. Last evaluated: 2023-04-01. Review status: criteria provided, single submitter. Criteria: CeGaT Center For Human Genetics Tuebingen Variant Classification Criteria Version 2. Collection method: clinical testing. Allele origin: germline. Affected: yes. Observed: 4 variant alleles.
Comment: SPTBN5: BP4, BS2

Labcorp Genetics (formerly Invitae), Labcorp
Classification: Likely benign. Last evaluated: 2018-04-06. Review status: criteria provided, single submitter. Criteria: Invitae Variant Classification Sherloc (09022015). Collection method: clinical testing. Allele origin: germline.

Breakthrough Genomics
Classification: Likely benign. Review status: criteria provided, single submitter. Criteria: ACMG Guidelines, 2015. Collection method: not provided. Allele origin: germline. Inheritance: Unknown mechanism. Affected: yes.

NM_016642.4(SPTBN5):c.5902G>A (p.Val1968Met)

Gene: SPTBN5 (spectrin beta, non-erythrocytic 5; minus strand). Cytogenetic location: 15q15.1.
Variant type: single nucleotide variant.
Coding change: c.5902G>A on transcript NM_016642.4 (MANE Select); coding-DNA position 5902, G replaced by A.
Protein change: p.Val1968Met; replaces valine 1968 with methionine.
Molecular consequence: missense variant.
Genome position (GRCh38, 1-based): chr15:41,868,553, C>T on the plus strand (G>A on the coding strand, the complement: SPTBN5 is on the minus strand). VCF-style: chr15-41868553-C-T. GRCh37 (hg19) VCF-style: chr15-42160751-C-T.
Other names: short protein forms V1968M.
Identifiers: ClinVar variation 771757 (VCV000771757.28), dbSNP rs139560192, ClinGen allele CA7502787.